The following is an entry in ClinVar:

NM_000038.6(APC):c.3313C>G (p.Arg1105Gly)

Gene: APC (APC regulator of Wnt signaling pathway; plus strand). Cytogenetic location: 5q22.2.
Variant type: single nucleotide variant.
Coding change: c.3313C>G on transcript NM_000038.6 (MANE Select); coding-DNA position 3313, C replaced by G.
Protein change: p.Arg1105Gly; replaces arginine 1105 with glycine.
Molecular consequence: missense variant.
Genome position (GRCh38, 1-based): chr5:112,838,907, C>G. VCF-style: chr5-112838907-C-G. GRCh37 (hg19) VCF-style: chr5-112174604-C-G.
Other names: c.3313C>G, p.Arg1105Gly (NM_001127510.3, NM_001354895.2, NM_001407450.1); c.3259C>G, p.Arg1087Gly (NM_001127511.3); c.3367C>G, p.Arg1123Gly (NM_001354896.2, NM_001407447.1, NM_001407448.1 and 1 more transcripts); c.3343C>G, p.Arg1115Gly (NM_001354897.2); c.3238C>G, p.Arg1080Gly (NM_001354898.2); c.3229C>G, p.Arg1077Gly (NM_001354899.2); c.3190C>G, p.Arg1064Gly (NM_001354900.2); c.3136C>G, p.Arg1046Gly (NM_001354901.2, NM_001407453.1); and 11 more; short protein forms R1004G, R1046G, R1095G, R1115G, R1123G, R1133G, R1064G, R1080G.
Identifiers: ClinVar variation 1730113 (VCV001730113.2), dbSNP rs768454793, ClinGen allele CA16028603.

ClinVar aggregate classification (germline): Uncertain significance (1 of 4 stars; one submission).

Conditions:
Hereditary cancer-predisposing syndrome. Also called: Neoplastic Syndromes, Hereditary; Tumor predisposition; Hereditary Cancer Syndrome; Hereditary neoplastic syndrome. Identifiers: Orphanet 140162, MedGen C0027672, MeSH D009386, MONDO:0015356.

Submission:

Ambry Genetics
Classification: Uncertain significance for Hereditary cancer-predisposing syndrome. Last evaluated: 2022-09-27. Review status: criteria provided, single submitter. Criteria: Ambry Variant Classification Scheme 2023. Collection method: clinical testing. Allele origin: germline.
Comment: The p.R1105G variant (also known as c.3313C>G), located in coding exon 15 of the APC gene, results from a C to G substitution at nucleotide position 3313. The arginine at codon 1105 is replaced by glycine, an amino acid with dissimilar properties. This amino acid position is conserved. In addition, in silico predictors for this gene do not accurately predict pathogenicity. Since supporting evidence is limited at this time, the clinical significance of this alteration remains unclear.